The following is an entry in ClinVar:

ClinVar aggregate classification (germline): Uncertain significance (1 of 4 stars; one submission).

Conditions:
Hereditary cancer-predisposing syndrome. Also called: Tumor predisposition; Hereditary neoplastic syndrome; Hereditary Cancer Syndrome; Neoplastic Syndromes, Hereditary. Identifiers: Orphanet 140162, MedGen C0027672, MeSH D009386, MONDO:0015356.

Submission:

Labcorp Genetics (formerly Invitae), Labcorp
Classification: Uncertain significance for Hereditary cancer-predisposing syndrome. Last evaluated: 2018-04-01. Review status: criteria provided, single submitter. Criteria: Invitae Variant Classification Sherloc (09022015). Collection method: clinical testing. Allele origin: germline.
Comment: This sequence change replaces lysine with glutamine at codon 107 of the RAD50 protein (p.Lys107Gln). The lysine residue is highly conserved and there is a small physicochemical difference between lysine and glutamine. This variant is not present in population databases (ExAC no frequency). This variant has not been reported in the literature in individuals with RAD50-related disease. Algorithms developed to predict the effect of missense changes on protein structure and function do not agree on the potential impact of this missense change (SIFT: "Tolerated"; PolyPhen-2: "Probably Damaging"; Align-GVGD: "Class C0"). In summary, the available evidence is currently insufficient to determine the role of this variant in disease. Therefore, it has been classified as a Variant of Uncertain Significance.

NM_005732.4(RAD50):c.319A>C (p.Lys107Gln)

Gene: RAD50 (RAD50 double strand break repair protein; plus strand). Cytogenetic location: 5q31.1.
Variant type: single nucleotide variant.
Coding change: c.319A>C on transcript NM_005732.4 (MANE Select); coding-DNA position 319, A replaced by C.
Protein change: p.Lys107Gln; replaces lysine 107 with glutamine.
Molecular consequence: missense variant.
Genome position (GRCh38, 1-based): chr5:132,575,882, A>C. VCF-style: chr5-132575882-A-C. GRCh37 (hg19) VCF-style: chr5-131911574-A-C.
Other names: short protein forms K107Q.
Identifiers: ClinVar variation 576644 (VCV000576644.9), dbSNP rs1561634419, ClinGen allele CA360931140.